The following is an entry in ClinVar:

ClinVar aggregate classification (germline): Likely benign (1 of 4 stars; one submission).

Allele frequency attached by ClinVar (database versions not stated): 1000 Genomes Project 30x 0.00156; 1000 Genomes Project 0.00160; gnomAD 0.00296; TOPMed 0.00323.
gnomAD v4.1: 467 of 152,274 alleles (0.31%); highest among the groups gnomAD compares: African/African-American, 1.1%; 3 homozygotes.

Submission:

GeneDx
Classification: Likely benign. Last evaluated: 2018-06-14. Review status: criteria provided, single submitter. Criteria: GeneDx Variant Classification (06012015). Collection method: clinical testing. Allele origin: germline. Affected: yes.
Comment: This variant is considered likely benign or benign based on one or more of the following criteria: it is a conservative change, it occurs at a poorly conserved position in the protein, it is predicted to be benign by multiple in silico algorithms, and/or has population frequency not consistent with disease.

NM_001042492.3(NF1):c.586+273A>G

Gene: NF1 (neurofibromin 1; plus strand). Cytogenetic location: 17q11.2.
Variant type: single nucleotide variant.
Coding change: c.586+273A>G on transcript NM_001042492.3 (MANE Select); 273 bases into the intron after coding-DNA position 586, A replaced by G.
Molecular consequence: intron variant.
Genome position (GRCh38, 1-based): chr17:31,170,270, A>G. VCF-style: chr17-31170270-A-G. GRCh37 (hg19) VCF-style: chr17-29497288-A-G.
Other names: c.586+273A>G (NM_000267.4, NM_001128147.3).
Identifiers: ClinVar variation 561906 (VCV000561906.1), dbSNP rs138239023, ClinGen allele CA289329425.